The following is an entry in ClinVar:

NM_012293.3(PXDN):c.2044A>C (p.Thr682Pro)

Gene: PXDN (peroxidasin; minus strand). Cytogenetic location: 2p25.3.
Variant type: single nucleotide variant.
Coding change: c.2044A>C on transcript NM_012293.3 (MANE Select); coding-DNA position 2044, A replaced by C.
Protein change: p.Thr682Pro; replaces threonine 682 with proline.
Molecular consequence: missense variant.
Genome position (GRCh38, 1-based): chr2:1,653,688, T>G on the plus strand (A>C on the coding strand, the complement: PXDN is on the minus strand). VCF-style: chr2-1653688-T-G. GRCh37 (hg19) VCF-style: chr2-1657460-T-G.
Other names: short protein forms T682P.
Identifiers: ClinVar variation 2015133 (VCV002015133.4), dbSNP rs2546903426, ClinGen allele CA345710107.

ClinVar aggregate classification (germline): Uncertain significance (1 of 4 stars; one submission).

Conditions:
Anterior segment dysgenesis 7 (ASGD7). Also called: Anterior segment dysgenesis 7, with sclerocornea; SCLEROCORNEA WITH OTHER OCULAR ANOMALIES. Identifiers: Orphanet 289499, MedGen C3151617, MONDO:0010015, OMIM 269400.

Submission:

Labcorp Genetics (formerly Invitae), Labcorp
Classification: Uncertain significance for Anterior segment dysgenesis 7. Last evaluated: 2022-09-01. Review status: criteria provided, single submitter. Criteria: Invitae Variant Classification Sherloc (09022015). Collection method: clinical testing. Allele origin: germline.
Comment: Algorithms developed to predict the effect of missense changes on protein structure and function are either unavailable or do not agree on the potential impact of this missense change (SIFT: "Deleterious"; PolyPhen-2: "Possibly Damaging"; Align-GVGD: "Class C0"). In summary, the available evidence is currently insufficient to determine the role of this variant in disease. Therefore, it has been classified as a Variant of Uncertain Significance. This variant has not been reported in the literature in individuals affected with PXDN-related conditions. This sequence change replaces threonine, which is neutral and polar, with proline, which is neutral and non-polar, at codon 682 of the PXDN protein (p.Thr682Pro). This variant is not present in population databases (gnomAD no frequency).